The following is an entry in ClinVar:

NM_004360.5(CDH1):c.1826C>T (p.Pro609Leu)

Gene: CDH1 (cadherin 1; plus strand). Cytogenetic location: 16q22.1.
Variant type: single nucleotide variant.
Coding change: c.1826C>T on transcript NM_004360.5 (MANE Select); coding-DNA position 1826, C replaced by T.
Protein change: p.Pro609Leu; replaces proline 609 with leucine.
Molecular consequence: missense variant. On other transcripts: 5 prime UTR variant (1).
Genome position (GRCh38, 1-based): chr16:68,822,115, C>T. VCF-style: chr16-68822115-C-T. GRCh37 (hg19) VCF-style: chr16-68856018-C-T.
Other names: c.1826C>T (LRG_301t1); c.1643C>T, p.Pro548Leu (NM_001317184.2); c.278C>T, p.Pro93Leu (NM_001317185.2); c.-140C>T (NM_001317186.2); short protein forms P609L, P93L, P548L.
Identifiers: ClinVar variation 641280 (VCV000641280.12), dbSNP rs1596963588, ClinGen allele CA396466882.

ClinVar aggregate classification (germline): Uncertain significance. Review status: criteria provided, multiple submitters, no conflicts (2 of 4 stars). 2 submissions from 2 submitters: Uncertain significance (2). Last evaluated 2025-07-18.

Conditions:
Hereditary diffuse gastric adenocarcinoma (HDGC). Also called: DIFFUSE GASTRIC AND LOBULAR BREAST CANCER SYNDROME. Identifiers: Orphanet 26106, MedGen C1708349, MONDO:0007648, OMIM 137215.
Hereditary cancer-predisposing syndrome. Also called: Neoplastic Syndromes, Hereditary; Hereditary Cancer Syndrome; Hereditary neoplastic syndrome; Tumor predisposition. Identifiers: Orphanet 140162, MedGen C0027672, MeSH D009386, MONDO:0015356.

Submissions (2):

Ambry Genetics
Classification: Uncertain significance for Hereditary cancer-predisposing syndrome. Last evaluated: 2025-07-18. Review status: criteria provided, single submitter. Criteria: Ambry Variant Classification Scheme 2023. Collection method: clinical testing. Allele origin: germline.
Comment: The p.P609L variant (also known as c.1826C>T), located in coding exon 12 of the CDH1 gene, results from a C to T substitution at nucleotide position 1826. The proline at codon 609 is replaced by leucine, an amino acid with similar properties. This amino acid position is well conserved in available vertebrate species. In addition, this alteration is predicted to be tolerated by in silico analysis. Based on the available evidence, the clinical significance of this variant remains unclear.

Labcorp Genetics (formerly Invitae), Labcorp
Classification: Uncertain significance for Hereditary diffuse gastric adenocarcinoma. Last evaluated: 2024-04-02. Review status: criteria provided, single submitter. Criteria: Invitae Variant Classification Sherloc (09022015). Collection method: clinical testing. Allele origin: germline.
Comment: This sequence change replaces proline, which is neutral and non-polar, with leucine, which is neutral and non-polar, at codon 609 of the CDH1 protein (p.Pro609Leu). This variant is not present in population databases (gnomAD no frequency). This variant has not been reported in the literature in individuals affected with CDH1-related conditions. ClinVar contains an entry for this variant (Variation ID: 641280). An algorithm developed to predict the effect of missense changes on protein structure and function (PolyPhen-2) suggests that this variant is likely to be tolerated. In summary, the available evidence is currently insufficient to determine the role of this variant in disease. Therefore, it has been classified as a Variant of Uncertain Significance.